The following is an entry in ClinVar:

NM_006231.4(POLE):c.1411A>T (p.Met471Leu)

Gene: POLE (DNA polymerase epsilon, catalytic subunit; minus strand). Cytogenetic location: 12q24.33.
Variant type: single nucleotide variant.
Coding change: c.1411A>T on transcript NM_006231.4 (MANE Select); coding-DNA position 1411, A replaced by T.
Protein change: p.Met471Leu; replaces methionine 471 with leucine.
Molecular consequence: missense variant.
Genome position (GRCh38, 1-based): chr12:132,673,226, T>A on the plus strand (A>T on the coding strand, the complement: POLE is on the minus strand). VCF-style: chr12-132673226-T-A. GRCh37 (hg19) VCF-style: chr12-133249812-T-A.
Other names: short protein forms M471L.
Identifiers: ClinVar variation 1772042 (VCV001772042.2), dbSNP rs749021187, ClinGen allele CA6893965.
Genomic context (GRCh38, chr12:132,673,226, plus strand): 5'-CGTCGGGCTCCATGGGAATAATGGTGCACAGAGCAAAGATGAATGGGTGGACGTACTTCA[T>A]GTACAGGTAGTAAGTGGCGACAGCATCTGACACAGAATACGTGGCCAGAGTCTGAGGAGA-3'
Protein context (NP_006222.2, residues 461-481): SDAVATYYLY[Met471Leu]KYVHPFIFAL

ClinVar aggregate classification (germline): Uncertain significance (1 of 4 stars; one submission).

Conditions:
Hereditary cancer-predisposing syndrome. Also called: Hereditary Cancer Syndrome; Hereditary neoplastic syndrome; Neoplastic Syndromes, Hereditary; Tumor predisposition. Identifiers: Orphanet 140162, MedGen C0027672, MeSH D009386, MONDO:0015356.

gnomAD v4.1: 2 of 1,613,940 alleles (0.00012%); highest among the groups gnomAD compares: Non-Finnish European, 0.00017%; no homozygotes.

Submission:

Ambry Genetics
Classification: Uncertain significance for Hereditary cancer-predisposing syndrome. Last evaluated: 2022-09-20. Review status: criteria provided, single submitter. Criteria: Ambry Variant Classification Scheme 2023. Collection method: clinical testing. Allele origin: germline.
Comment: The p.M471L variant (also known as c.1411A>T), located in coding exon 14 of the POLE gene, results from an A to T substitution at nucleotide position 1411. The methionine at codon 471 is replaced by leucine, an amino acid with highly similar properties. This amino acid position is conserved. In addition, the in silico prediction for this alteration is inconclusive. Since supporting evidence is limited at this time, the clinical significance of this alteration remains unclear.